The following is an entry in ClinVar:

ClinVar aggregate classification (germline): Uncertain significance. Review status: criteria provided, multiple submitters, no conflicts (2 of 4 stars). 2 submissions from 2 submitters: Uncertain significance (2). Last evaluated 2025-03-01.

Conditions:
Spastic paraplegia. Identifiers: MedGen C0037772, HP:0001258.

Allele frequency attached by ClinVar (database versions not stated): TOPMed below 0.00001.

Submissions (2):

CeGaT Center for Human Genetics Tuebingen
Classification: Uncertain significance. Last evaluated: 2025-03-01. Review status: criteria provided, single submitter. Criteria: CeGaT Center For Human Genetics Tuebingen Variant Classification Criteria Version 2. Collection method: clinical testing. Allele origin: germline. Affected: yes. Observed: 1 variant allele.
Comment: KIF5A: PM2

Labcorp Genetics (formerly Invitae), Labcorp
Classification: Uncertain significance for Spastic paraplegia. Last evaluated: 2024-11-29. Review status: criteria provided, single submitter. Criteria: Invitae Variant Classification Sherloc (09022015). Collection method: clinical testing. Allele origin: germline.
Comment: This sequence change replaces glycine, which is neutral and non-polar, with alanine, which is neutral and non-polar, at codon 43 of the KIF5A protein (p.Gly43Ala). This variant is not present in population databases (gnomAD no frequency). This variant has not been reported in the literature in individuals affected with KIF5A-related conditions. ClinVar contains an entry for this variant (Variation ID: 3005296). An algorithm developed to predict the effect of missense changes on protein structure and function (PolyPhen-2) suggests that this variant is likely to be tolerated. In summary, the available evidence is currently insufficient to determine the role of this variant in disease. Therefore, it has been classified as a Variant of Uncertain Significance.

NM_004984.4(KIF5A):c.128G>C (p.Gly43Ala)

Gene: KIF5A (kinesin family member 5A; plus strand). Cytogenetic location: 12q13.3.
Variant type: single nucleotide variant.
Coding change: c.128G>C on transcript NM_004984.4 (MANE Select); coding-DNA position 128, G replaced by C.
Protein change: p.Gly43Ala; replaces glycine 43 with alanine.
Molecular consequence: missense variant.
Genome position (GRCh38, 1-based): chr12:57,550,399, G>C. VCF-style: chr12-57550399-G-C. GRCh37 (hg19) VCF-style: chr12-57944182-G-C.
Other names: c.128G>C, p.Gly43Ala (NM_001354705.2); short protein forms G43A.
Identifiers: ClinVar variation 3005296 (VCV003005296.10), dbSNP rs1800918984, ClinGen allele CA385496450.
Genomic context (GRCh38, chr12:57,550,399, plus strand): 5'-AGATTCTGCGGGGAGACAAGTTCATCCCCATTTTCCAAGGGGACGACAGCGTCGTTATTG[G>C]GGTGAGTGTCGCCCAGGAGGGAATTCGGGGAGGGGGCAGGTGGCTGAATCTCCCCGCCCC-3'
Protein context (NP_004975.2, residues 33-53): IFQGDDSVVI[Gly43Ala]GKPYVFDRVF